The following is an entry in ClinVar:

ClinVar aggregate classification (germline): Uncertain significance (1 of 4 stars; one submission).

Conditions:
Neurofibromatosis, type 1 (NF1). Also called: Peripheral type neurofibromatosis; NEUROFIBROMATOSIS, TYPE I, SOMATIC; VON RECKLINGHAUSEN DISEASE; Neurofibromatosis, type I. Identifiers: Orphanet 636, MedGen C0027831, MONDO:0018975, OMIM 162200. Disease mechanism: loss of function.

Allele frequency attached by ClinVar (database versions not stated): gnomAD exomes below 0.00001.
gnomAD v4.1: 1 of 1,614,074 alleles (0.000062%); highest among the groups gnomAD compares: Non-Finnish European, 0.000085%; no homozygotes.

Submission:

Labcorp Genetics (formerly Invitae), Labcorp
Classification: Uncertain significance for Neurofibromatosis, type 1. Last evaluated: 2022-02-20. Review status: criteria provided, single submitter. Criteria: Invitae Variant Classification Sherloc (09022015). Collection method: clinical testing. Allele origin: germline.
Comment: Advanced modeling of protein sequence and biophysical properties (such as structural, functional, and spatial information, amino acid conservation, physicochemical variation, residue mobility, and thermodynamic stability) performed at Invitae indicates that this missense variant is not expected to disrupt NF1 protein function. This variant has not been reported in the literature in individuals affected with NF1-related conditions. This variant is not present in population databases (gnomAD no frequency). This sequence change replaces glycine, which is neutral and non-polar, with valine, which is neutral and non-polar, at codon 2481 of the NF1 protein (p.Gly2481Val). In summary, the available evidence is currently insufficient to determine the role of this variant in disease. Therefore, it has been classified as a Variant of Uncertain Significance.

NM_001042492.3(NF1):c.7505G>T (p.Gly2502Val)

Gene: NF1 (neurofibromin 1; plus strand). Cytogenetic location: 17q11.2.
Variant type: single nucleotide variant.
Coding change: c.7505G>T on transcript NM_001042492.3 (MANE Select); coding-DNA position 7505, G replaced by T.
Protein change: p.Gly2502Val; replaces glycine 2502 with valine.
Molecular consequence: missense variant.
Genome position (GRCh38, 1-based): chr17:31,352,304, G>T. VCF-style: chr17-31352304-G-T. GRCh37 (hg19) VCF-style: chr17-29679322-G-T.
Other names: c.7442G>T, p.Gly2481Val (NM_000267.4); short protein forms G2481V, G2502V.
Identifiers: ClinVar variation 2100367 (VCV002100367.4), dbSNP rs2151577054, ClinGen allele CA399017531.